The following is an entry in ClinVar:

NM_000173.7(GP1BA):c.1639del (p.Val547fs)

Gene: GP1BA (glycoprotein Ib platelet subunit alpha; plus strand). Cytogenetic location: 17p13.2.
Variant type: Deletion.
Coding change: c.1639del on transcript NM_000173.7 (MANE Select); coding-DNA position 1639, one base deleted (G; older notation c.1639delG).
Protein change: p.Val547fs; shifts the reading frame from valine 547.
Molecular consequence: frameshift variant.
Genome position (GRCh38, 1-based): chr17:4,934,243, G deleted; the last of 2 consecutive G bases (chr17:4,934,242-4,934,243); deleting either gives the same sequence. VCF-style (leftmost placement, unchanged base first): chr17-4934241-TG-T. GRCh37 (hg19) VCF-style: chr17-4837536-TG-T.
Other names: short protein forms V547fs.
Identifiers: ClinVar variation 4995106 (VCV004995106.1).

ClinVar aggregate classification (germline): Likely pathogenic (1 of 4 stars; one submission).

Conditions:
GP1BA-related disorder. Also called: GP1BA-related condition.

Submission:

PreventionGenetics, part of Exact Sciences
Classification: Likely pathogenic for GP1BA-related condition. Last evaluated: 2026-05-05. Review status: criteria provided, single submitter. Criteria: ACMG Guidelines, 2015. Collection method: clinical testing. Allele origin: germline.
Comment: The GP1BA c.1639delG variant is predicted to result in a frameshift and premature protein termination (p.Val547Serfs*6). To our knowledge, this variant has not been reported in the literature or in a large population database (gnomAD), indicating this variant is rare. Frameshift variants in GP1BA are expected to be pathogenic. This variant is interpreted as likely pathogenic.